The following is an entry in ClinVar:

ClinVar aggregate classification (germline): Uncertain significance (1 of 4 stars; one submission).

Submission:

Labcorp Genetics (formerly Invitae), Labcorp
Classification: Uncertain significance. Last evaluated: 2025-08-29. Review status: criteria provided, single submitter. Criteria: Invitae Variant Classification Sherloc (09022015). Collection method: clinical testing. Allele origin: germline.
Comment: This sequence change replaces proline, which is neutral and non-polar, with arginine, which is basic and polar, at codon 228 of the ARID1B protein (p.Pro228Arg). This variant is not present in population databases (gnomAD no frequency). This variant has not been reported in the literature in individuals affected with ARID1B-related conditions. Invitae Evidence Modeling of protein sequence and biophysical properties (such as structural, functional, and spatial information, amino acid conservation, physicochemical variation, residue mobility, and thermodynamic stability) indicates that this missense variant is not expected to disrupt ARID1B protein function with a negative predictive value of 95%. In summary, the available evidence is currently insufficient to determine the role of this variant in disease. Therefore, it has been classified as a Variant of Uncertain Significance.

NM_001374828.1(ARID1B):c.932C>G (p.Pro311Arg)

Genes: ARID1B (AT-rich interaction domain 1B; plus strand), LOC129997525 (ATAC-STARR-seq lymphoblastoid silent region 17712; plus strand). Cytogenetic location: 6q25.3.
Variant type: single nucleotide variant.
Coding change: c.932C>G on transcript NM_001374828.1 (MANE Select); coding-DNA position 932, C replaced by G.
Protein change: p.Pro311Arg; replaces proline 311 with arginine.
Molecular consequence: missense variant.
Genome position (GRCh38, 1-based): chr6:156,778,612, C>G. VCF-style: chr6-156778612-C-G. GRCh37 (hg19) VCF-style: chr6-157099746-C-G.
Other names: c.932C>G, p.Pro311Arg (NM_001371656.1, NM_001374820.1, NM_001438482.1 and 9 more transcripts); short protein forms P311R.
Identifiers: ClinVar variation 4753693 (VCV004753693.1).